The following is an entry in ClinVar:

NM_000186.4(CFH):c.2216C>A (p.Thr739Asn)

Gene: CFH (complement factor H; plus strand). Cytogenetic location: 1q31.3.
Variant type: single nucleotide variant.
Coding change: c.2216C>A on transcript NM_000186.4 (MANE Select); coding-DNA position 2216, C replaced by A.
Protein change: p.Thr739Asn; replaces threonine 739 with asparagine.
Molecular consequence: missense variant.
Genome position (GRCh38, 1-based): chr1:196,726,920, C>A. VCF-style: chr1-196726920-C-A. GRCh37 (hg19) VCF-style: chr1-196696050-C-A.
Other names: short protein forms T739N.
Identifiers: ClinVar variation 1025807 (VCV001025807.8), dbSNP rs756847132, ClinGen allele CA1305600.

ClinVar aggregate classification (germline): Uncertain significance (1 of 4 stars; one submission).

Allele frequency attached by ClinVar (database versions not stated): ExAC 0.00001; gnomAD exomes 0.00001; TOPMed 0.00001; gnomAD 0.00003.
gnomAD v4.1: 16 of 1,613,280 alleles (0.00099%); highest among the groups gnomAD compares: Non-Finnish European, 0.0014%; no homozygotes.

Submission:

Labcorp Genetics (formerly Invitae), Labcorp
Classification: Uncertain significance. Last evaluated: 2025-05-18. Review status: criteria provided, single submitter. Criteria: Invitae Variant Classification Sherloc (09022015). Collection method: clinical testing. Allele origin: germline.
Comment: This sequence change replaces threonine, which is neutral and polar, with asparagine, which is neutral and polar, at codon 739 of the CFH protein (p.Thr739Asn). This variant is present in population databases (rs756847132, gnomAD 0.002%). This variant has not been reported in the literature in individuals affected with CFH-related conditions. ClinVar contains an entry for this variant (Variation ID: 1025807). An algorithm developed to predict the effect of missense changes on protein structure and function (PolyPhen-2) suggests that this variant is likely to be disruptive. In summary, the available evidence is currently insufficient to determine the role of this variant in disease. Therefore, it has been classified as a Variant of Uncertain Significance.